The following is an entry in ClinVar:

NM_017636.4(TRPM4):c.1902T>G (p.Ser634Arg)

Gene: TRPM4 (transient receptor potential cation channel subfamily M member 4; plus strand). Cytogenetic location: 19q13.33.
Variant type: single nucleotide variant.
Coding change: c.1902T>G on transcript NM_017636.4 (MANE Select); coding-DNA position 1902, T replaced by G.
Protein change: p.Ser634Arg; replaces serine 634 with arginine.
Molecular consequence: missense variant.
Genome position (GRCh38, 1-based): chr19:49,188,974, T>G. VCF-style: chr19-49188974-T-G. GRCh37 (hg19) VCF-style: chr19-49692231-T-G.
Other names: c.1902T>G, p.Ser634Arg (NM_001195227.2); c.1557T>G, p.Ser519Arg (NM_001321281.2); c.294T>G, p.Ser98Arg (NM_001321282.2); c.1380T>G, p.Ser460Arg (NM_001321283.2); c.840T>G, p.Ser280Arg (NM_001321285.2); short protein forms S98R, S634R, S280R, S460R, S519R.
Identifiers: ClinVar variation 3329247 (VCV003329247.3).
Genomic context (GRCh38, chr19:49,188,974, plus strand): 5'-TCCCTGTCACATAACTAACTCCTCTGCCCCAGACCTCTTTGGCGAGTGCTATCGCAGCAG[T>G]GAGGTGAGGGCTGCCCGCCTCCTCCTCCGTCGCTGCCCGCTCTGGGGGGATGCCACTTGC-3'
Protein context (NP_060106.2, residues 624-644): VDLFGECYRS[Ser634Arg]EVRAARLLLR

ClinVar aggregate classification (germline): Uncertain significance. Review status: criteria provided, multiple submitters, no conflicts (2 of 4 stars). 2 submissions from 2 submitters: Uncertain significance (2). Last evaluated 2024-08-01.

Conditions:
Cardiovascular phenotype. Identifiers: MedGen CN230736.
Progressive familial heart block type IB (PFHB1B). Identifiers: Orphanet 871, MedGen C1970298, MONDO:0011474, OMIM 604559.

gnomAD v4.1: 2 of 1,614,116 alleles (0.00012%); highest among the groups gnomAD compares: Non-Finnish European, 0.00017%; no homozygotes.

Submissions (2):

Labcorp Genetics (formerly Invitae), Labcorp
Classification: Uncertain significance for Progressive familial heart block type IB. Last evaluated: 2024-08-01. Review status: criteria provided, single submitter. Criteria: Invitae Variant Classification Sherloc (09022015). Collection method: clinical testing. Allele origin: germline.
Comment: This sequence change replaces serine, which is neutral and polar, with arginine, which is basic and polar, at codon 634 of the TRPM4 protein (p.Ser634Arg). This variant is not present in population databases (gnomAD no frequency). This variant has not been reported in the literature in individuals affected with TRPM4-related conditions. An algorithm developed to predict the effect of missense changes on protein structure and function (PolyPhen-2) suggests that this variant is likely to be tolerated. In summary, the available evidence is currently insufficient to determine the role of this variant in disease. Therefore, it has been classified as a Variant of Uncertain Significance.

Ambry Genetics
Classification: Uncertain significance for Cardiovascular phenotype. Last evaluated: 2024-05-12. Review status: criteria provided, single submitter. Criteria: Ambry Variant Classification Scheme 2023. Collection method: clinical testing. Allele origin: germline.
Comment: The p.S634R variant (also known as c.1902T>G), located in coding exon 14 of the TRPM4 gene, results from a T to G substitution at nucleotide position 1902. The serine at codon 634 is replaced by arginine, an amino acid with dissimilar properties. This amino acid position is conserved. In addition, this alteration is predicted to be tolerated by in silico analysis. Based on the available evidence, the clinical significance of this variant remains unclear.